The following is an entry in ClinVar:

NM_000059.4(BRCA2):c.8948_8953+5del

Gene: BRCA2 (BRCA2 DNA repair associated; plus strand). Cytogenetic location: 13q13.1.
Variant type: Deletion.
Coding change: c.8948_8953+5del on transcript NM_000059.4 (MANE Select); coding-DNA position 8948 through 5 bases into the intron after coding-DNA position 8953, 11 bases deleted (ATTCAGGTAAG).
Molecular consequence: splice donor variant.
Genome position (GRCh38, 1-based): chr13:32,379,510-32,379,520, ATTCAGGTAAG deleted; deleting any 11 consecutive bases within chr13:32,379,507-32,379,520 gives the same sequence; the c. name uses the placement nearest the transcript's 3' end. VCF-style (leftmost placement, unchanged base first): chr13-32379506-AAAGATTCAGGT-A. GRCh37 (hg19) VCF-style: chr13-32953643-AAAGATTCAGGT-A.
Other names: c.8948_8953+5delATTCAGGTAAG (NM_000059.3).
Identifiers: ClinVar variation 141449 (VCV000141449.18), dbSNP rs276174915, ClinGen allele CA165434.

ClinVar aggregate classification (germline): Pathogenic. Review status: criteria provided, multiple submitters, no conflicts (2 of 4 stars). 6 submissions from 6 submitters: Pathogenic (6). Last evaluated 2023-06-14.

Conditions:
Hereditary cancer-predisposing syndrome. Also called: Neoplastic Syndromes, Hereditary; Hereditary Cancer Syndrome; Hereditary neoplastic syndrome; Tumor predisposition. Identifiers: Orphanet 140162, MedGen C0027672, MeSH D009386, MONDO:0015356.
Hereditary breast ovarian cancer syndrome. Also called: Hereditary breast and ovarian cancer syndrome; Hereditary breast and/or ovarian cancer syndrome; BRCA1- and BRCA2-Associated Hereditary Breast and Ovarian Cancer; Hereditary breast and ovarian cancer; Breast and ovarian cancer; Hereditary breast and ovarian cancer syndrome (HBOC). Identifiers: Orphanet 145, MedGen C0677776, MeSH D061325, MONDO:0003582. Disease mechanism: loss of function.
Breast-ovarian cancer, familial, susceptibility to, 2 (BROVCA2). Also called: BRCA2 Hereditary Breast and Ovarian Cancer. Identifiers: Orphanet 145, MedGen C2675520, MONDO:0012933, OMIM 612555. Disease mechanism: loss of function.

Submissions (6):

Labcorp Genetics (formerly Invitae), Labcorp
Classification: Pathogenic for Hereditary breast ovarian cancer syndrome. Last evaluated: 2023-06-14. Review status: criteria provided, single submitter. Criteria: Invitae Variant Classification Sherloc (09022015). Collection method: clinical testing. Allele origin: germline.
Comment: For these reasons, this variant has been classified as Pathogenic. Studies have shown that this variant alters mRNA splicing and is expected to lead to the loss of protein expression (PMID: 25382762). ClinVar contains an entry for this variant (Variation ID: 141449). This variant has not been reported in the literature in individuals affected with BRCA2-related conditions. This variant is not present in population databases (gnomAD no frequency). This variant results in the deletion of part of exon 22 (c.8948_8953+5del) of the BRCA2 gene. It is expected to disrupt RNA splicing. Variants that disrupt the donor or acceptor splice site typically lead to a loss of protein function (PMID: 16199547), and loss-of-function variants in BRCA2 are known to be pathogenic (PMID: 20104584).

Quest Diagnostics Nichols Institute San Juan Capistrano
Classification: Pathogenic. Last evaluated: 2023-05-17. Review status: criteria provided, single submitter. Criteria: Quest Diagnostics criteria. Collection method: clinical testing. Allele origin: unknown.
Comment: The BRCA2 c.8948_8953+5del (p.Asp2983_Ser2984del) variant disrupts a canonical splice-donor site and interferes with normal BRCA2 mRNA splicing. This variant has been reported in the published literature in an experimental study that supports this variant impacts BRCA2 mRNA splicing (PMID: 25382762 (2015)). Additionally, the variant has been reported in families with increased risk for breast and/or ovarian cancer (PMIDs: 29446198 (2019), 28150238 (2017)). This variant has not been reported in large, multi-ethnic general populations (Genome Aggregation Database). Based on the available information, this variant is classified as pathogenic.

Women's Health and Genetics/Laboratory Corporation of America, LabCorp
Classification: Pathogenic for Hereditary breast ovarian cancer syndrome. Last evaluated: 2022-07-21. Review status: criteria provided, single submitter. Criteria: LabCorp Variant Classification Summary - May 2015. Collection method: clinical testing. Allele origin: germline.
Comment: Variant summary: BRCA2 c.8948_8953+5del11 is located in a canonical splice-site and is predicted to affect mRNA splicing resulting in a significantly altered protein due to either exon skipping, shortening, or inclusion of intronic material. Several computational tools predict a significant impact on normal splicing: Four predict the variant abolishes a canonical 5 splicing donor site. Four predict the variant creates a cryptic 5 donor site. At least one publication reports experimental evidence that this variant affects mRNA splicing (Acedo_2015). The variant was absent in 248098 control chromosomes (gnomAD). c.8948_8953+5del11 has been reported in the literature in individuals affected with Hereditary Breast And Ovarian Cancer Syndrome (LaDuca_2017, Rebbeck_2018). These data indicate that the variant may be associated with disease. Five ClinVar submitters (evaluation after 2014) cite the variant as pathogenic. Based on the evidence outlined above, the variant was classified as pathogenic.

Ambry Genetics
Classification: Pathogenic for Hereditary cancer-predisposing syndrome. Last evaluated: 2020-02-14. Review status: criteria provided, single submitter. Criteria: Ambry Variant Classification Scheme 2023. Collection method: clinical testing. Allele origin: germline.
Comment: The c.8948_8953+5del11 intronic variant (also known as 9176del11), results from a deletion of 11 nucleotides between positions 8948 and 8953+5, which involves the canonical splice site after coding exon 21 of the BRCA2 gene. In silico splice site analysis predicts that this alteration will weaken the native splice donor site and will result in the creation or strengthening of a novel splice donor site. Further, this alteration has been shown to result in aberrant splicing, using a minigene assay (Acedo A et al. Hum. Mutat., 2015 Feb;36:210-21). This alteration was also identified in a large, worldwide study of BRCA1/2 mutation positive families (Rebbeck TR et al. Hum. Mutat., 2018 05;39:593-620). In addition to the clinical data presented in the literature, alterations that disrupt the canonical splice site are expected to cause aberrant splicing, resulting in an abnormal protein or a transcript that is subject to nonsense-mediated mRNA decay. As such, this alteration is classified as a disease-causing mutation.

GeneDx
Classification: Pathogenic. Last evaluated: 2015-11-23. Review status: criteria provided, single submitter. Criteria: GeneDx Variant Classification (06012015). Collection method: clinical testing. Allele origin: germline. Affected: yes.
Comment: This variant is denoted BRCA2 c.8948_8953+5del11 and consists of a deletion of 11 nucleotides at the exon/intron boundary of exon 22. The normal sequence, with the bases that are deleted in braces, is AAAG[del11]tatg where the capital letters are exonic and the lower case are intronic. This variant, also known as BRCA2 c.8948_8953+5del using alternate nomenclature, destroys a canonical splice donor site and is predicted to cause abnormal gene splicing, leading to either an abnormal message that is subject to nonsense-mediated mRNA decay or to an abnormal protein product. Functional studies using a minigene assay have demonstrated that this variant causes aberrant splicing (Acedo 2014). Based on the currently available information, we consider BRCA2 c.8948_8953+5del11 to be a pathogenic variant.

Consortium of Investigators of Modifiers of BRCA1/2 (CIMBA), c/o University of Cambridge
Classification: Pathogenic for Breast-ovarian cancer, familial, susceptibility to, 2. Last evaluated: 2015-10-02. Review status: criteria provided, single submitter. Criteria: CIMBA Mutation Classification guidelines May 2016. Collection method: clinical testing. Allele origin: germline.

Literature cited by the submitters: PubMed 25382762 (cited by 4 submitters); PubMed 16199547 (cited by Labcorp Genetics (formerly Invitae), Labcorp); PubMed 20104584 (cited by Labcorp Genetics (formerly Invitae), Labcorp); PubMed 28152038 (cited by Quest Diagnostics Nichols Institute San Juan Capistrano and Women's Health and Genetics/Laboratory Corporation of America, LabCorp); PubMed 31723001 (cited by Quest Diagnostics Nichols Institute San Juan Capistrano); PubMed 29446198 (cited by 3 submitters); PubMed 26295337 (cited by Quest Diagnostics Nichols Institute San Juan Capistrano).